The following is an entry in ClinVar:

NM_001330588.2(TPP2):c.91C>G (p.Pro31Ala)

Gene: TPP2 (tripeptidyl peptidase 2; plus strand). Cytogenetic location: 13q33.1.
Variant type: single nucleotide variant.
Coding change: c.91C>G on transcript NM_001330588.2 (MANE Select); coding-DNA position 91, C replaced by G.
Protein change: p.Pro31Ala; replaces proline 31 with alanine.
Molecular consequence: missense variant. On other transcripts: non-coding transcript variant (1).
Genome position (GRCh38, 1-based): chr13:102,597,129, C>G. VCF-style: chr13-102597129-C-G. GRCh37 (hg19) VCF-style: chr13-103249479-C-G.
Other names: c.91C>G (NM_003291.2); c.91C>G, p.Pro31Ala (NM_001367947.1, NM_003291.4); short protein forms P31A.
Identifiers: ClinVar variation 2198950 (VCV002198950.5), dbSNP rs1169336796, ClinGen allele CA388676622.

ClinVar aggregate classification (germline): Uncertain significance. Review status: criteria provided, multiple submitters, no conflicts (2 of 4 stars). 2 submissions from 2 submitters: Uncertain significance (2). Last evaluated 2025-12-12.

Conditions:
Inborn genetic diseases. Identifiers: MedGen C0950123, MeSH D030342.
Evans syndrome, immunodeficiency, and premature immunosenescence associated with tripeptidyl-peptidase II deficiency. Identifiers: MedGen CN231723. Disease mechanism: loss of function.

Allele frequency attached by ClinVar (database versions not stated): gnomAD 0.00001.
gnomAD v4.1: 5 of 1,610,712 alleles (0.00031%); highest among the groups gnomAD compares: Non-Finnish European, 0.00034%; no homozygotes.

Submissions (2):

Labcorp Genetics (formerly Invitae), Labcorp
Classification: Uncertain significance for Evans syndrome, immunodeficiency, and premature immunosenescence associated with tripeptidyl-peptidase II deficiency. Last evaluated: 2025-12-12. Review status: criteria provided, single submitter. Criteria: Invitae Variant Classification Sherloc (09022015). Collection method: clinical testing. Allele origin: germline.
Comment: This sequence change replaces proline, which is neutral and non-polar, with alanine, which is neutral and non-polar, at codon 31 of the TPP2 protein (p.Pro31Ala). This variant is present in population databases (no rsID available, gnomAD 0.0009%). This variant has not been reported in the literature in individuals affected with TPP2-related conditions. ClinVar contains an entry for this variant (Variation ID: 2198950). An algorithm developed to predict the effect of missense changes on protein structure and function (PolyPhen-2) suggests that this variant is likely to be disruptive. In summary, the available evidence is currently insufficient to determine the role of this variant in disease. Therefore, it has been classified as a Variant of Uncertain Significance.

Ambry Genetics
Classification: Uncertain significance for Inborn genetic diseases. Last evaluated: 2023-12-11. Review status: criteria provided, single submitter. Criteria: Ambry Variant Classification Scheme 2023. Collection method: clinical testing. Allele origin: germline.